The following is an entry in ClinVar:

ClinVar aggregate classification (germline): Uncertain significance (1 of 4 stars; one submission).

Submission:

Labcorp Genetics (formerly Invitae), Labcorp
Classification: Uncertain significance. Last evaluated: 2023-10-09. Review status: criteria provided, single submitter. Criteria: Invitae Variant Classification Sherloc (09022015). Collection method: clinical testing. Allele origin: unknown.
Comment: This variant results in a copy number gain of the genomic region encompassing exon(s) 2 of the COL4A1 gene. While the exact position of this variant cannot be determined from the data, sub-genic copy number gains are generally in tandem (PMID: 25640679). This variant is predicted to be in-frame, and likely preserves the integrity of the reading frame. This variant has not been reported in the literature in individuals affected with COL4A1-related conditions. In summary, the available evidence is currently insufficient to determine the role of this variant in disease. Therefore, it has been classified as a Variant of Uncertain Significance.

Literature cited by the submitters: PubMed 25640679.

NC_000013.10:g.(?_110895002)_(110895101_?)dup

Gene: COL4A1 (collagen type IV alpha 1 chain; minus strand). Cytogenetic location: 13q34.
Variant type: Duplication.
Identifiers: ClinVar variation 3244208 (VCV003244208.1).